The following is an entry in ClinVar:

ClinVar aggregate classification (germline): Likely pathogenic (1 of 4 stars; one submission).

Submission:

Center for Genomic Medicine, Rigshospitalet, Copenhagen University Hospital
Classification: Likely pathogenic. Last evaluated: 2025-12-29. Review status: criteria provided, single submitter. Criteria: ACMG Guidelines, 2015. Collection method: clinical testing. Allele origin: germline.
Comment: Classification criteria: PP3_strong, PM2_supporting, PP1

Literature cited by the submitters: PubMed 37484956; PubMed 22577108; PubMed 10229909.

NM_001370259.2(MEN1):c.1331T>C (p.Leu444Pro)

Gene: MEN1 (menin 1; minus strand). Cytogenetic location: 11q13.1.
Variant type: single nucleotide variant.
Coding change: c.1331T>C on transcript NM_001370259.2 (MANE Select); coding-DNA position 1331, T replaced by C.
Protein change: p.Leu444Pro; replaces leucine 444 with proline.
Molecular consequence: missense variant. On other transcripts: non-coding transcript variant (4), intron variant (1).
Genome position (GRCh38, 1-based): chr11:64,805,053, A>G on the plus strand (T>C on the coding strand, the complement: MEN1 is on the minus strand). VCF-style: chr11-64805053-A-G. GRCh37 (hg19) VCF-style: chr11-64572525-A-G.
Other names: c.1226T>C, p.Leu409Pro (NM_001407149.1, NM_001370262.2, NM_001370263.2 and 1 more transcripts); c.1472T>C, p.Leu491Pro (NM_001407150.1); c.1352T>C, p.Leu451Pro (NM_001407151.1); c.1331T>C, p.Leu444Pro (NM_130799.3, NM_001370261.2, NM_001407146.1 and 2 more transcripts); c.1346T>C, p.Leu449Pro (NM_130800.3, NM_130801.3, NM_130802.3 and 4 more transcripts); c.1186-237T>C (NM_001407152.1); c.1457T>C, p.Leu486Pro (NM_001407142.1, NM_001407143.1, NM_001407144.1 and 1 more transcripts); short protein forms L409P, L444P, L449P, L451P, L486P, L491P.
Identifiers: ClinVar variation 4539281 (VCV004539281.1).